The following is an entry in ClinVar:

ClinVar aggregate classification (germline): Uncertain significance (1 of 4 stars; one submission).

Conditions:
Anophthalmia/microphthalmia-esophageal atresia syndrome (MCOPS3). Also called: MICROPHTHALMIA AND ESOPHAGEAL ATRESIA SYNDROME; AEG SYNDROME; SOX2 Disorder. Identifiers: Orphanet 77298, MedGen C1859773, MONDO:0008799, OMIM 206900.

Submission:

Institute of Human Genetics, University of Leipzig Medical Center
Classification: Uncertain significance for Anophthalmia/microphthalmia-esophageal atresia syndrome. Last evaluated: 2023-06-29. Review status: criteria provided, single submitter. Criteria: ACMG Guidelines, 2015. Collection method: clinical testing. Allele origin: maternal. Inheritance: Autosomal dominant inheritance. Affected: yes.
Comment: Criteria applied: PM5,PM2_SUP,PP2,PP3

NM_003106.4(SOX2):c.389G>A (p.Gly130Glu)

Genes: SOX2 (SRY-box transcription factor 2; plus strand), SOX2-OT (SOX2 overlapping transcript; plus strand), LOC108281177 (SOX2 5' regulatory region; plus strand). Cytogenetic location: 3q26.33.
Variant type: single nucleotide variant.
Coding change: c.389G>A on transcript NM_003106.4 (MANE Select); coding-DNA position 389, G replaced by A.
Protein change: p.Gly130Glu; replaces glycine 130 with glutamic acid.
Molecular consequence: missense variant.
Genome position (GRCh38, 1-based): chr3:181,712,749, G>A. VCF-style: chr3-181712749-G-A. GRCh37 (hg19) VCF-style: chr3-181430537-G-A.
Other names: short protein forms G130E.
Identifiers: ClinVar variation 2576613 (VCV002576613.2), dbSNP rs121918652, ClinGen allele CA355473778.